The following is an entry in ClinVar:

NM_014946.4(SPAST):c.131C>A (p.Ser44Ter)

Gene: SPAST (spastin; plus strand). Cytogenetic location: 2p22.3.
Variant type: single nucleotide variant.
Coding change: c.131C>A on transcript NM_014946.4 (MANE Select); coding-DNA position 131, C replaced by A.
Protein change: p.Ser44Ter; replaces serine 44 with a stop codon.
Molecular consequence: nonsense.
Genome position (GRCh38, 1-based): chr2:32,063,962, C>A. VCF-style: chr2-32063962-C-A. GRCh37 (hg19) VCF-style: chr2-32289031-C-A.
Other names: c.131C>A, p.Ser44Ter (NM_001363823.2, NM_001363875.2, NM_001377959.1 and 1 more transcripts); short protein forms S44*.
Identifiers: ClinVar variation 3720309 (VCV003720309.2).

ClinVar aggregate classification (germline): Pathogenic (1 of 4 stars; one submission).

Conditions:
Hereditary spastic paraplegia 4. Also called: Spastic paraplegia 4, autosomal dominant; Spastic Paraplegia 4; Familial spastic paraplegia autosomal dominant 2. Identifiers: Orphanet 100985, MedGen C1866855, MONDO:0008438, OMIM 182601.

Submission:

Labcorp Genetics (formerly Invitae), Labcorp
Classification: Pathogenic for Hereditary spastic paraplegia 4. Last evaluated: 2024-07-08. Review status: criteria provided, single submitter. Criteria: Invitae Variant Classification Sherloc (09022015). Collection method: clinical testing. Allele origin: germline.
Comment: This sequence change creates a premature translational stop signal (p.Ser44*) in the SPAST gene. It is expected to result in an absent or disrupted protein product. Loss-of-function variants in SPAST are known to be pathogenic (PMID: 20932283). This variant is present in population databases (no rsID available, gnomAD 0.006%). This premature translational stop signal has been observed in individual(s) with hereditary spastic paraplegia (PMID: 25045380). For these reasons, this variant has been classified as Pathogenic.

Literature cited by the submitters: PubMed 20932283; PubMed 25045380.